The following is an entry in ClinVar:

NM_000350.3(ABCA4):c.3683A>C (p.Glu1228Ala)

Genes: ABCA4 (ATP binding cassette subfamily A member 4; minus strand), LOC126805794 (BRD4-independent group 4 enhancer GRCh37_chr1:94502188-94503387; plus strand). Cytogenetic location: 1p22.1.
Variant type: single nucleotide variant.
Coding change: c.3683A>C on transcript NM_000350.3 (MANE Select); coding-DNA position 3683, A replaced by C.
Protein change: p.Glu1228Ala; replaces glutamic acid 1228 with alanine.
Molecular consequence: missense variant.
Genome position (GRCh38, 1-based): chr1:94,037,275, T>G on the plus strand (A>C on the coding strand, the complement: ABCA4 is on the minus strand). VCF-style: chr1-94037275-T-G. GRCh37 (hg19) VCF-style: chr1-94502831-T-G.
Other names: c.3461A>C, p.Glu1154Ala (NM_001425324.1); short protein forms E1228A, E1154A.
Identifiers: ClinVar variation 3718972 (VCV003718972.2).

ClinVar aggregate classification (germline): Uncertain significance (1 of 4 stars; one submission).

Submission:

Labcorp Genetics (formerly Invitae), Labcorp
Classification: Uncertain significance. Last evaluated: 2024-12-05. Review status: criteria provided, single submitter. Criteria: Invitae Variant Classification Sherloc (09022015). Collection method: clinical testing. Allele origin: germline.
Comment: This sequence change replaces glutamic acid, which is acidic and polar, with alanine, which is neutral and non-polar, at codon 1228 of the ABCA4 protein (p.Glu1228Ala). This variant is not present in population databases (gnomAD no frequency). This variant has not been reported in the literature in individuals affected with ABCA4-related conditions. Invitae Evidence Modeling of protein sequence and biophysical properties (such as structural, functional, and spatial information, amino acid conservation, physicochemical variation, residue mobility, and thermodynamic stability) indicates that this missense variant is expected to disrupt ABCA4 protein function with a positive predictive value of 95%. In summary, the available evidence is currently insufficient to determine the role of this variant in disease. Therefore, it has been classified as a Variant of Uncertain Significance.